The following is an entry in ClinVar:

NM_025114.4(CEP290):c.5212G>T (p.Glu1738Ter)

Gene: CEP290 (centrosomal protein 290; minus strand). Cytogenetic location: 12q21.32.
Variant type: single nucleotide variant.
Coding change: c.5212G>T on transcript NM_025114.4 (MANE Select); coding-DNA position 5212, G replaced by T.
Protein change: p.Glu1738Ter; replaces glutamic acid 1738 with a stop codon.
Molecular consequence: nonsense.
Genome position (GRCh38, 1-based): chr12:88,080,196, C>A on the plus strand (G>T on the coding strand, the complement: CEP290 is on the minus strand). VCF-style: chr12-88080196-C-A. GRCh37 (hg19) VCF-style: chr12-88473973-C-A.
Other names: short protein forms E1738*.
Identifiers: ClinVar variation 461785 (VCV000461785.9), dbSNP rs1555205328, ClinGen allele CA385990901.

ClinVar aggregate classification (germline): Pathogenic (1 of 4 stars; one submission).

Conditions:
Meckel-Gruber syndrome. Also called: DYSENCEPHALIA SPLANCHNOCYSTICA; GRUBER SYNDROME; Dysencephalia splachnocystica. Identifiers: Orphanet 564, MedGen C0265215, MONDO:0018921.
Joubert syndrome. Also called: CEREBELLOPARENCHYMAL DISORDER IV; JOUBERT-BOLTSHAUSER SYNDROME; Familial aplasia of the vermis. Identifiers: Orphanet 475, MedGen C5979921, MONDO:0018772.
Nephronophthisis. Also called: Juvenile Nephronophthisis. Identifiers: Orphanet 655, MedGen C0687120, MONDO:0019005, HP:0000090.

Submission:

Labcorp Genetics (formerly Invitae), Labcorp
Classification: Pathogenic for Joubert syndrome; Meckel-Gruber syndrome; Nephronophthisis. Last evaluated: 2022-02-22. Review status: criteria provided, single submitter. Criteria: Invitae Variant Classification Sherloc (09022015). Collection method: clinical testing. Allele origin: germline.
Comment: For these reasons, this variant has been classified as Pathogenic. This variant is not present in population databases (gnomAD no frequency). This variant has not been reported in the literature in individuals affected with CEP290-related conditions. ClinVar contains an entry for this variant (Variation ID: 461785). This sequence change creates a premature translational stop signal (p.Glu1738*) in the CEP290 gene. It is expected to result in an absent or disrupted protein product. Loss-of-function variants in CEP290 are known to be pathogenic (PMID: 16909394, 17345604, 20690115).

Literature cited by the submitters: PubMed 16909394; PubMed 17345604; PubMed 20690115.